The following is an entry in ClinVar:

NM_001267550.2(TTN):c.12850C>T (p.Gln4284Ter)

Gene: TTN (titin; minus strand). Cytogenetic location: 2q31.2.
Variant type: single nucleotide variant.
Coding change: c.12850C>T on transcript NM_001267550.2 (MANE Select); coding-DNA position 12850, C replaced by T.
Protein change: p.Gln4284Ter; replaces glutamine 4284 with a stop codon.
Molecular consequence: nonsense. On other transcripts: intron variant (1).
Genome position (GRCh38, 1-based): chr2:178,740,383, G>A on the plus strand (C>T on the coding strand, the complement: TTN is on the minus strand). VCF-style: chr2-178740383-G-A. GRCh37 (hg19) VCF-style: chr2-179605110-G-A.
Other names: c.12136C>T, p.Gln4046Ter (NM_133432.3); c.12337C>T, p.Gln4113Ter (NM_133437.4); c.10361-2023C>T (NM_133378.4); c.11899C>T, p.Gln3967Ter (NM_001256850.1); c.11761C>T, p.Gln3921Ter (NM_003319.4); short protein forms Q4113*, Q3967*, Q4284*, Q3921*, Q4046*.
Identifiers: ClinVar variation 1038032 (VCV001038032.9), dbSNP rs2082282118, ClinGen allele CA349610150.

ClinVar aggregate classification (germline): Likely pathogenic (1 of 4 stars; one submission).

Conditions:
Dilated cardiomyopathy 1G (CMD1G). Identifiers: Orphanet 154, MedGen C1858763, MONDO:0011400, OMIM 604145.
Autosomal recessive limb-girdle muscular dystrophy type 2J (LGMDR10). Also called: Limb-girdle muscular dystrophy, type 2J; MUSCULAR DYSTROPHY, LIMB-GIRDLE, AUTOSOMAL RECESSIVE 10. Identifiers: Orphanet 140922, MedGen C1837342, MONDO:0012127, OMIM 608807.

Allele frequency attached by ClinVar (database versions not stated): TOPMed below 0.00001.

Submission:

Labcorp Genetics (formerly Invitae), Labcorp
Classification: Likely pathogenic for Dilated cardiomyopathy 1G; Autosomal recessive limb-girdle muscular dystrophy type 2J. Last evaluated: 2025-10-21. Review status: criteria provided, single submitter. Criteria: Invitae Variant Classification Sherloc (09022015). Collection method: clinical testing. Allele origin: germline.
Comment: This sequence change creates a premature translational stop signal (p.Gln4284*) in the TTN gene. While this is not anticipated to result in nonsense mediated decay, it is expected to create a truncated TTN protein. This variant is not present in population databases (gnomAD no frequency). This variant has not been reported in the literature in individuals affected with TTN-related conditions. ClinVar contains an entry for this variant (Variation ID: 1038032). This variant is located in the I band of TTN (PMID: 25589632). Truncating variants in this region have been reported in individuals affected with autosomal recessive centronuclear myopathy (PMID: 23975875, internal data). Truncating variants in this region have also been identified in individuals affected with autosomal dominant dilated cardiomyopathy and/or cardio-related conditions (PMID: 27869827, 32964742, internal data). In summary, the currently available evidence indicates that the variant is pathogenic, but additional data are needed to prove that conclusively. Therefore, this variant has been classified as Likely Pathogenic.

Literature cited by the submitters: PubMed 25589632; PubMed 23975875; PubMed 27869827; PubMed 32964742.